The following is an entry in ClinVar:

NM_004795.4(KL):c.58C>G (p.Leu20Val)

Gene: KL (klotho; plus strand). Cytogenetic location: 13q13.1.
Variant type: single nucleotide variant.
Coding change: c.58C>G on transcript NM_004795.4 (MANE Select); coding-DNA position 58, C replaced by G.
Protein change: p.Leu20Val; replaces leucine 20 with valine.
Molecular consequence: missense variant.
Genome position (GRCh38, 1-based): chr13:33,016,498, C>G. VCF-style: chr13-33016498-C-G. GRCh37 (hg19) VCF-style: chr13-33590636-C-G.
Other names: short protein forms L20V.
Identifiers: ClinVar variation 1415712 (VCV001415712.6), dbSNP rs1230998891, ClinGen allele CA387779857.

ClinVar aggregate classification (germline): Uncertain significance (1 of 4 stars; one submission).

Submission:

Labcorp Genetics (formerly Invitae), Labcorp
Classification: Uncertain significance. Last evaluated: 2021-09-24. Review status: criteria provided, single submitter. Criteria: Invitae Variant Classification Sherloc (09022015). Collection method: clinical testing. Allele origin: germline.
Comment: The frequency data for this variant in the population databases is considered unreliable, as metrics indicate insufficient coverage at this position in the ExAC database. In summary, the available evidence is currently insufficient to determine the role of this variant in disease. Therefore, it has been classified as a Variant of Uncertain Significance. Algorithms developed to predict the effect of missense changes on protein structure and function (SIFT, PolyPhen-2, Align-GVGD) all suggest that this variant is likely to be tolerated. This variant has not been reported in the literature in individuals affected with KL-related conditions. This sequence change replaces leucine with valine at codon 20 of the KL protein (p.Leu20Val). The leucine residue is weakly conserved and there is a small physicochemical difference between leucine and valine.